The following is an entry in ClinVar:

ClinVar aggregate classification (germline): Uncertain significance. Review status: criteria provided, multiple submitters, no conflicts (2 of 4 stars). 2 submissions from 2 submitters: Uncertain significance (2). Last evaluated 2025-12-26.

Conditions:
Inborn genetic diseases. Identifiers: MedGen C0950123, MeSH D030342.
Congenital myotonia, autosomal recessive form. Also called: BECKER DISEASE; Becker Generalized Myotonia; myotonia congenita, autosomal recessive. Identifiers: Orphanet 614, MedGen C0751360, MONDO:0009715, OMIM 255700.
Congenital myotonia, autosomal dominant form (THD). Also called: THOMSEN DISEASE; Myotonia congenita autosomal dominant. Identifiers: Orphanet 614, MedGen C2936781, MONDO:0008055, OMIM 160800.

gnomAD v4.1: 2 of 1,614,150 alleles (0.00012%); highest among the groups gnomAD compares: Admixed American, 0.0017%; no homozygotes.

Submissions (2):

Ambry Genetics
Classification: Uncertain significance for Inborn genetic diseases. Last evaluated: 2025-12-26. Review status: criteria provided, single submitter. Criteria: Ambry Variant Classification Scheme 2023. Collection method: clinical testing. Allele origin: germline.

Labcorp Genetics (formerly Invitae), Labcorp
Classification: Uncertain significance for Congenital myotonia, autosomal recessive form; Congenital myotonia, autosomal dominant form. Last evaluated: 2025-04-21. Review status: criteria provided, single submitter. Criteria: Invitae Variant Classification Sherloc (09022015). Collection method: clinical testing. Allele origin: germline.
Comment: This sequence change replaces proline, which is neutral and non-polar, with serine, which is neutral and polar, at codon 813 of the CLCN1 protein (p.Pro813Ser). This variant is not present in population databases (gnomAD no frequency). This variant has not been reported in the literature in individuals affected with CLCN1-related conditions. ClinVar contains an entry for this variant (Variation ID: 1976757). Invitae Evidence Modeling of protein sequence and biophysical properties (such as structural, functional, and spatial information, amino acid conservation, physicochemical variation, residue mobility, and thermodynamic stability) has been performed for this missense variant. However, the output from this modeling did not meet the statistical confidence thresholds required to predict the impact of this variant on CLCN1 protein function. In summary, the available evidence is currently insufficient to determine the role of this variant in disease. Therefore, it has been classified as a Variant of Uncertain Significance.

NM_000083.3(CLCN1):c.2437C>T (p.Pro813Ser)

Gene: CLCN1 (chloride voltage-gated channel 1; plus strand). Cytogenetic location: 7q34.
Variant type: single nucleotide variant.
Coding change: c.2437C>T on transcript NM_000083.3 (MANE Select); coding-DNA position 2437, C replaced by T.
Protein change: p.Pro813Ser; replaces proline 813 with serine.
Molecular consequence: missense variant. On other transcripts: non-coding transcript variant (1).
Genome position (GRCh38, 1-based): chr7:143,350,405, C>T. VCF-style: chr7-143350405-C-T. GRCh37 (hg19) VCF-style: chr7-143047498-C-T.
Other names: c.2437C>T (NM_000083.2); short protein forms P813S.
Identifiers: ClinVar variation 1976757 (VCV001976757.6), dbSNP rs139881658, ClinGen allele CA369652540.